The following is an entry in ClinVar:

NM_000202.8(IDS):c.1544C>A (p.Ser515Tyr)

Gene: IDS (iduronate 2-sulfatase; minus strand). Cytogenetic location: Xq28.
Variant type: single nucleotide variant.
Coding change: c.1544C>A on transcript NM_000202.8 (MANE Select); coding-DNA position 1544, C replaced by A.
Protein change: p.Ser515Tyr; replaces serine 515 with tyrosine.
Molecular consequence: missense variant.
Genome position (GRCh38, 1-based): chrX:149,482,855, G>T on the plus strand (C>A on the coding strand, the complement: IDS is on the minus strand). VCF-style: chrX-149482855-G-T. GRCh37 (hg19) VCF-style: chrX-148564386-G-T.
Other names: c.1274C>A, p.Ser425Tyr (NM_001166550.4); short protein forms S425Y, S515Y.
Identifiers: ClinVar variation 4975477 (VCV004975477.1).

ClinVar aggregate classification (germline): Uncertain significance (1 of 4 stars; one submission).

gnomAD v4.1: 2 of 1,212,027 alleles (0.00017%); highest among the groups gnomAD compares: Non-Finnish European, 0.00011%; no homozygotes.

Submission:

GeneDx
Classification: Uncertain significance. Last evaluated: 2026-01-28. Review status: criteria provided, single submitter. Criteria: GeneDx Variant Classification Process June 2021. Collection method: clinical testing. Allele origin: germline.
Comment: Not observed at significant frequency in large population cohorts (gnomAD); In silico analysis supports that this missense variant has a deleterious effect on protein structure/function; Has not been previously published as pathogenic or benign to our knowledge